The following is an entry in ClinVar:

NM_001009944.3(PKD1):c.3286G>A (p.Ala1096Thr)

Gene: PKD1 (polycystin 1, transient receptor potential channel interacting; minus strand). Cytogenetic location: 16p13.3.
Variant type: single nucleotide variant.
Coding change: c.3286G>A on transcript NM_001009944.3 (MANE Select); coding-DNA position 3286, G replaced by A.
Protein change: p.Ala1096Thr; replaces alanine 1096 with threonine.
Molecular consequence: missense variant.
Genome position (GRCh38, 1-based): chr16:2,112,349, C>T on the plus strand (G>A on the coding strand, the complement: PKD1 is on the minus strand). VCF-style: chr16-2112349-C-T. GRCh37 (hg19) VCF-style: chr16-2162350-C-T.
Other names: c.3286G>A, p.Ala1096Thr (NM_000296.4); short protein forms A1096T.
Identifiers: ClinVar variation 2637327 (VCV002637327.1), dbSNP rs1307673492, ClinGen allele CA394383397.
Genomic context (GRCh38, chr16:2,112,349, plus strand): 5'-CCGTGCTCAGAGCCTGAAAGGCAGTGGCCCCCTCACCCCCTCATCCCTCACCTGGGGCAG[C>T]GTAGGTGTGCATGACATTGTGCTCCACCAGCACCTGGGCCACCGAGGGGTCTGGAACCGG-3'
Protein context (NP_001009944.3, residues 1086-1106): LVEHNVMHTY[Ala1096Thr]APGEYLLTVL

ClinVar aggregate classification (germline): Uncertain significance (1 of 4 stars; one submission).

Conditions:
PKD1-related disorder. Also called: PKD1-related condition.

Allele frequency attached by ClinVar (database versions not stated): TOPMed below 0.00001; gnomAD 0.00001.
gnomAD v4.1: 7 of 1,587,182 alleles (0.00044%); highest among the groups gnomAD compares: African/African-American, 0.0027%; no homozygotes.

Submission:

PreventionGenetics, part of Exact Sciences
Classification: Uncertain significance for PKD1-related condition. Last evaluated: 2022-09-06. Review status: criteria provided, single submitter. Criteria: ACMG Guidelines, 2015. Collection method: clinical testing. Allele origin: germline.
Comment: The PKD1 c.3286G>A variant is predicted to result in the amino acid substitution p.Ala1096Thr. To our knowledge, this variant has not been reported in the literature. This variant is reported in 0.0049% of alleles in individuals of African descent in gnomAD. The p.Ala1096 residue is weakly conserved during evolution and the amino acid at this position in mouse is a threonine (Thr). Although we suspect that this variant may be benign, at this time, the clinical significance of this variant is uncertain due to the absence of conclusive functional and genetic evidence.